The following is an entry in ClinVar:

NM_032444.4(SLX4):c.39C>G (p.Tyr13Ter)

Gene: SLX4 (SLX4 structure-specific endonuclease subunit; minus strand). Cytogenetic location: 16p13.3.
Variant type: single nucleotide variant.
Coding change: c.39C>G on transcript NM_032444.4 (MANE Select); coding-DNA position 39, C replaced by G.
Protein change: p.Tyr13Ter; replaces tyrosine 13 with a stop codon.
Molecular consequence: nonsense.
Genome position (GRCh38, 1-based): chr16:3,608,926, G>C on the plus strand (C>G on the coding strand, the complement: SLX4 is on the minus strand). VCF-style: chr16-3608926-G-C. GRCh37 (hg19) VCF-style: chr16-3658927-G-C.
Other names: short protein forms Y13*.
Identifiers: ClinVar variation 2994184 (VCV002994184.3), dbSNP rs1346974204, ClinGen allele CA394548087.

ClinVar aggregate classification (germline): Pathogenic (1 of 4 stars; one submission).

Conditions:
Fanconi anemia (FA). Also called: Fanconi's anemia. Identifiers: Orphanet 84, MedGen C0015625, MeSH D005199, MONDO:0019391.

Allele frequency attached by ClinVar (database versions not stated): gnomAD exomes below 0.00001; TOPMed below 0.00001; gnomAD 0.00001.
gnomAD v4.1: 3 of 1,613,952 alleles (0.00019%); highest among the groups gnomAD compares: Admixed American, 0.0017%; no homozygotes.

Submission:

Labcorp Genetics (formerly Invitae), Labcorp
Classification: Pathogenic for Fanconi anemia. Last evaluated: 2022-10-29. Review status: criteria provided, single submitter. Criteria: Invitae Variant Classification Sherloc (09022015). Collection method: clinical testing. Allele origin: germline.
Comment: For these reasons, this variant has been classified as Pathogenic. This variant has not been reported in the literature in individuals affected with SLX4-related conditions. This variant is not present in population databases (gnomAD no frequency). This sequence change creates a premature translational stop signal (p.Tyr13*) in the SLX4 gene. It is expected to result in an absent or disrupted protein product. Loss-of-function variants in SLX4 are known to be pathogenic (PMID: 21240277).

Literature cited by the submitters: PubMed 21240277.